The following is an entry in ClinVar:

ClinVar aggregate classification (germline): Uncertain significance (1 of 4 stars; one submission).

Allele frequency attached by ClinVar (database versions not stated): gnomAD exomes below 0.00001; TOPMed 0.00003; gnomAD 0.00004.
gnomAD v4.1: 7 of 1,441,144 alleles (0.00049%); highest among the groups gnomAD compares: African/African-American, 0.0089%; no homozygotes.

Submission:

Labcorp Genetics (formerly Invitae), Labcorp
Classification: Uncertain significance. Last evaluated: 2021-11-26. Review status: criteria provided, single submitter. Criteria: Invitae Variant Classification Sherloc (09022015). Collection method: clinical testing. Allele origin: germline.
Comment: In summary, the available evidence is currently insufficient to determine the role of this variant in disease. Therefore, it has been classified as a Variant of Uncertain Significance. Algorithms developed to predict the effect of missense changes on protein structure and function output the following: SIFT: "Deleterious"; PolyPhen-2: "Benign"; Align-GVGD: "Class C0". The leucine amino acid residue is found in multiple mammalian species, which suggests that this missense change does not adversely affect protein function. This variant has not been reported in the literature in individuals affected with CLPP-related conditions. This variant is present in population databases (no rsID available, gnomAD 0.009%). This sequence change replaces proline, which is neutral and non-polar, with leucine, which is neutral and non-polar, at codon 34 of the CLPP protein (p.Pro34Leu).

NM_006012.4(CLPP):c.101C>T (p.Pro34Leu)

Gene: CLPP (caseinolytic mitochondrial matrix peptidase proteolytic subunit; plus strand). Cytogenetic location: 19p13.3.
Variant type: single nucleotide variant.
Coding change: c.101C>T on transcript NM_006012.4 (MANE Select); coding-DNA position 101, C replaced by T.
Protein change: p.Pro34Leu; replaces proline 34 with leucine.
Molecular consequence: missense variant.
Genome position (GRCh38, 1-based): chr19:6,361,675, C>T. VCF-style: chr19-6361675-C-T. GRCh37 (hg19) VCF-style: chr19-6361686-C-T.
Other names: short protein forms P34L.
Identifiers: ClinVar variation 1948054 (VCV001948054.5), dbSNP rs1005230013, ClinGen allele CA304753491.